The following is an entry in ClinVar:

ClinVar aggregate classification (germline): Pathogenic (1 of 4 stars; one submission).

Conditions:
Bardet-Biedl syndrome (BBS). Identifiers: Orphanet 110, MedGen C0752166, MONDO:0015229.

Allele frequency attached by ClinVar (database versions not stated): gnomAD exomes below 0.00001.

Submission:

Labcorp Genetics (formerly Invitae), Labcorp
Classification: Pathogenic for Bardet-Biedl syndrome. Last evaluated: 2023-02-16. Review status: criteria provided, single submitter. Criteria: Invitae Variant Classification Sherloc (09022015). Collection method: clinical testing. Allele origin: germline.
Comment: This variant has not been reported in the literature in individuals affected with BBS10-related conditions. This sequence change creates a premature translational stop signal (p.Arg422Glyfs*9) in the BBS10 gene. While this is not anticipated to result in nonsense mediated decay, it is expected to disrupt the last 302 amino acid(s) of the BBS10 protein. This variant is not present in population databases (gnomAD no frequency). This variant disrupts a region of the BBS10 protein in which other variant(s) (p.Val707*) have been determined to be pathogenic (PMID: 20472660, 22773737, 25982971, 27486776). This suggests that this is a clinically significant region of the protein, and that variants that disrupt it are likely to be disease-causing. For these reasons, this variant has been classified as Pathogenic.

Literature cited by the submitters: PubMed 20472660; PubMed 22773737; PubMed 25982971; PubMed 27486776.

NM_024685.4(BBS10):c.1264del (p.Arg422fs)

Gene: BBS10 (Bardet-Biedl syndrome 10; minus strand). Cytogenetic location: 12q21.2.
Variant type: Deletion.
Coding change: c.1264del on transcript NM_024685.4 (MANE Select); coding-DNA position 1264, one base deleted (C; older notation c.1264delC).
Protein change: p.Arg422fs; shifts the reading frame from arginine 422.
Molecular consequence: frameshift variant.
Genome position (GRCh38, 1-based): chr12:76,346,721, G deleted on the plus strand (C on the coding strand, the reverse complement: BBS10 is on the minus strand). VCF-style (leftmost placement, unchanged base first): chr12-76346720-CG-C. GRCh37 (hg19) VCF-style: chr12-76740500-CG-C.
Other names: short protein forms R422fs.
Identifiers: ClinVar variation 2838217 (VCV002838217.3), dbSNP rs2498396617, ClinGen allele CA2619945582.
Genomic context (GRCh38, chr12:76,346,720, plus strand): 5'-GTGCCATTTTGGTCATTGGTTTGTGTCATGTAATTTAGATCAAGGTCTTTAAATAATTGC[CG>C]AAGCATTTTAAGTGCTCCATGTAAAGCATCCTCATGTTGTTCAATGAGACCATGCACTGG-3'